The following is an entry in ClinVar:

NM_199420.4(POLQ):c.695T>A (p.Leu232His)

Gene: POLQ (DNA polymerase theta; minus strand). Cytogenetic location: 3q13.33.
Variant type: single nucleotide variant.
Coding change: c.695T>A on transcript NM_199420.4 (MANE Select); coding-DNA position 695, T replaced by A.
Protein change: p.Leu232His; replaces leucine 232 with histidine.
Molecular consequence: missense variant.
Genome position (GRCh38, 1-based): chr3:121,537,145, A>T on the plus strand (T>A on the coding strand, the complement: POLQ is on the minus strand). VCF-style: chr3-121537145-A-T. GRCh37 (hg19) VCF-style: chr3-121255992-A-T.
Other names: short protein forms L232H.
Identifiers: ClinVar variation 1756326 (VCV001756326.2), dbSNP rs2546822746, ClinGen allele CA354090507.
Genomic context (GRCh38, chr3:121,537,145, plus strand): 5'-ATTTCACGTACTTACCAAGATGCTGATTTCCGAGTAATATAGCAAATCTTGGTCAGCAAA[A>T]GTTCCAGCAGATACCCTCGGTGAGAGTCTCCCAGCATATGTAATTCATCCACAACCACCA-3'
Protein context (NP_955452.3, residues 222-242): GDSHRGYLLE[Leu232His]LLTKICYITR

ClinVar aggregate classification (germline): Uncertain significance (1 of 4 stars; one submission).

Submission:

Ambry Genetics
Classification: Uncertain significance. Last evaluated: 2022-03-29. Review status: criteria provided, single submitter. Criteria: Ambry Variant Classification Scheme 2023. Collection method: clinical testing. Allele origin: germline.
Comment: The p.L232H variant (also known as c.695T>A), located in coding exon 5 of the POLQ gene, results from a T to A substitution at nucleotide position 695. The leucine at codon 232 is replaced by histidine, an amino acid with similar properties. This amino acid position is conserved. In addition, the in silico prediction for this alteration is inconclusive. Since supporting evidence is limited at this time, the clinical significance of this alteration remains unclear.